The following is an entry in ClinVar:

NM_000179.3(MSH6):c.1275_1276del (p.Ile425fs)

Gene: MSH6 (mutS homolog 6; plus strand). Cytogenetic location: 2p16.3.
Variant type: Deletion.
Coding change: c.1275_1276del on transcript NM_000179.3 (MANE Select); coding-DNA positions 1275 to 1276, 2 bases deleted (CT; older notation c.1275_1276delCT).
Protein change: p.Ile425fs; shifts the reading frame from isoleucine 425.
Molecular consequence: frameshift variant.
Genome position (GRCh38, 1-based): chr2:47,799,258-47,799,259, CT deleted; deleting any 2 consecutive bases within chr2:47,799,257-47,799,259 gives the same sequence; the c. name uses the placement nearest the transcript's 3' end. VCF-style (leftmost placement, unchanged base first): chr2-47799256-ATC-A. GRCh37 (hg19) VCF-style: chr2-48026395-ATC-A.
Other names: c.885_886del, p.Ile295fs (NM_001281492.2); c.369_370del, p.Ile123fs (NM_001281493.2, NM_001281494.2); c.1275_1276delCT (NM_000179.2); short protein forms I295fs, I425fs, I123fs.
Identifiers: ClinVar variation 428409 (VCV000428409.7), dbSNP rs1114167774, ClinGen allele CA645369243.

ClinVar aggregate classification (germline): Pathogenic. Review status: criteria provided, multiple submitters, no conflicts (2 of 4 stars). 2 submissions from 2 submitters: Pathogenic (2). Last evaluated 2025-06-23.

Conditions:
Hereditary cancer-predisposing syndrome. Also called: Hereditary Cancer Syndrome; Neoplastic Syndromes, Hereditary; Hereditary neoplastic syndrome; Tumor predisposition. Identifiers: Orphanet 140162, MedGen C0027672, MeSH D009386, MONDO:0015356.
Lynch syndrome 5 (LYNCH5). Also called: Hereditary non-polyposis colorectal cancer, type 5; Colorectal cancer, hereditary nonpolyposis, type 5. Identifiers: Orphanet 144, MedGen C1833477, MONDO:0013710, OMIM 614350. Disease mechanism: loss of function.

Submissions (2):

Ambry Genetics
Classification: Pathogenic for Hereditary cancer-predisposing syndrome. Last evaluated: 2025-06-23. Review status: criteria provided, single submitter. Criteria: Ambry Variant Classification Scheme 2023. Collection method: clinical testing. Allele origin: germline.
Comment: The c.1275_1276delCT pathogenic mutation, located in coding exon 4 of the MSH6 gene, results from a deletion of two nucleotides at nucleotide positions 1275 to 1276, causing a translational frameshift with a predicted alternate stop codon (p.I425Mfs*9). This variant is considered to be rare based on population cohorts in the Genome Aggregation Database (gnomAD). This alteration is expected to result in loss of function by premature protein truncation or nonsense-mediated mRNA decay. As such, this alteration is interpreted as a disease-causing mutation.

Myriad Genetics, Inc.
Classification: Pathogenic for Lynch syndrome 5. Last evaluated: 2023-08-11. Review status: criteria provided, single submitter. Criteria: Myriad Autosomal Dominant, Autosomal Recessive and X-Linked Classification Criteria (2023). Collection method: clinical testing. Allele origin: unknown.
Comment: This variant is considered pathogenic. This variant creates a frameshift predicted to result in premature protein truncation.